The following is an entry in ClinVar:

NM_170665.4(ATP2A2):c.2788_2790dup (p.Ile930_Trp931insIle)

Gene: ATP2A2 (ATPase sarcoplasmic/endoplasmic reticulum Ca2+ transporting 2; plus strand). Cytogenetic location: 12q24.11.
Variant type: Duplication.
Coding change: c.2788_2790dup on transcript NM_170665.4 (MANE Select); coding-DNA positions 2788 to 2790, 3 bases duplicated (ATC; older notation c.2788_2790dupATC).
Protein change: p.Ile930_Trp931insIle.
Molecular consequence: inframe insertion.
Genome position (GRCh38, 1-based): chr12:110,346,047-110,346,049, ATC duplicated; duplicating any 3 consecutive bases within chr12:110,346,046-110,346,049 gives the same sequence; the c. name uses the placement nearest the transcript's 3' end. VCF-style (leftmost placement, unchanged base first): chr12-110346045-A-ACAT. GRCh37 (hg19) VCF-style: chr12-110783850-A-ACAT.
Other names: c.2683_2685dup, p.Ile895_Trp896insIle (NM_001413013.1); c.2788_2790dup, p.Ile930_Trp931insIle (NM_001413014.1, NM_001681.4); c.2413_2415dup, p.Ile805_Trp806insIle (NM_001413015.1).
Identifiers: ClinVar variation 4796542 (VCV004796542.1).

ClinVar aggregate classification (germline): Likely pathogenic (1 of 4 stars; one submission).

Conditions:
Keratosis follicularis (DAR). Also called: Darier disease; Darier's disease. Identifiers: Orphanet 218, MedGen C0022595, MONDO:0007417, OMIM 124200.
Acrokeratosis verruciformis of Hopf (AKV). Also called: HOPF DISEASE; Acrokeratosis verruciformis. Identifiers: Orphanet 79151, MedGen C0265971, MONDO:0007048, OMIM 101900.

Submission:

Juno Genomics, Hangzhou Juno Genomics, Inc
Classification: Likely pathogenic for Acrokeratosis verruciformis of Hopf; Keratosis follicularis. Review status: criteria provided, single submitter. Criteria: ACMG Guidelines, 2015. Collection method: clinical testing. Allele origin: germline. Affected: yes.
Comment: Absent from controls (or at extremely low frequency if recessive) in Genome Aggregation Database, Exome Sequencing Project, 1000 Genomes Project, or Exome Aggregation Consortium.;Protein length changes due to in-frame deletions/insertions in a non-repeat region or stop-loss variants.;Patient's phenotype or family history is highly specific for a disease with a single genetic etiology.;Assumed de novo, but without confirmation of paternity and maternity.